The following is an entry in ClinVar:

ClinVar aggregate classification (germline): Benign. Review status: criteria provided, multiple submitters, no conflicts (2 of 4 stars). 2 submissions from 2 submitters: Benign (2). Last evaluated 2019-01-18.

Allele frequency attached by ClinVar (database versions not stated): 1000 Genomes Project 30x 0.66068; gnomAD exomes 0.66330; 1000 Genomes Project 0.66434; gnomAD 0.66845 and 0.67022; TOPMed 0.67193.

Submissions (2):

GeneDx
Classification: Benign. Last evaluated: 2019-01-18. Review status: criteria provided, single submitter. Criteria: GeneDx Variant Classification Process June 2021. Collection method: clinical testing. Allele origin: germline. Affected: yes.
Comment: This variant is associated with the following publications: (PMID: 26437776)

Breakthrough Genomics
Classification: Benign. Review status: criteria provided, single submitter. Criteria: ACMG Guidelines, 2015. Collection method: not provided. Allele origin: germline. Inheritance: Autosomal recessive inheritance. Affected: yes.

NC_000014.9:g.23119522G>C

Gene: CEBPE (CCAAT enhancer binding protein epsilon; minus strand). Cytogenetic location: 14q11.2.
Variant type: single nucleotide variant.
Genome position: GRCh38 VCF-style: chr14-23119522-G-C. GRCh37 (hg19) VCF-style: chr14-23588731-G-C.
Identifiers: ClinVar variation 1289860 (VCV001289860.4), dbSNP rs2239635, ClinGen allele CA13974421.
Genomic context (GRCh38, chr14:23,119,522, plus strand): 5'-GGTTCTGGAGATGCCCGAAGCTGATGCTTCTGGGAATGCCTCTCCACTCCCTGCTGGGAG[G>C]CCAGGGGACTCCAAATCCTCGCAGAGGGCAACACCCCACTCTGAGCAACCTCCTCCCTCC-3'